The following is an entry in ClinVar:

NM_198578.4(LRRK2):c.3685C>T (p.His1229Tyr)

Gene: LRRK2 (leucine rich repeat kinase 2; plus strand). Cytogenetic location: 12q12.
Variant type: single nucleotide variant.
Coding change: c.3685C>T on transcript NM_198578.4 (MANE Select); coding-DNA position 3685, C replaced by T.
Protein change: p.His1229Tyr; replaces histidine 1229 with tyrosine.
Molecular consequence: missense variant.
Genome position (GRCh38, 1-based): chr12:40,304,042, C>T. VCF-style: chr12-40304042-C-T. GRCh37 (hg19) VCF-style: chr12-40697844-C-T.
Other names: short protein forms H1229Y.
Identifiers: ClinVar variation 2624870 (VCV002624870.2), dbSNP rs2499781596, ClinGen allele CA384416725.
Genomic context (GRCh38, chr12:40,304,042, plus strand): 5'-CAGTACCTACCAGGTCCCGCACACTGGAAATCTTTGAACTTAAGGGAACTCTTATTTAGC[C>T]ATAATCAGATCAGCATCTTGGACTTGAGTGAAAAAGCATATTTATGGTCTAGAGTAGAGA-3'
Protein context (NP_940980.4, residues 1219-1239): SLNLRELLFS[His1229Tyr]NQISILDLSE

ClinVar aggregate classification (germline): Uncertain significance (1 of 4 stars; one submission).

Conditions:
Inborn genetic diseases. Identifiers: MedGen C0950123, MeSH D030342.

Submission:

Ambry Genetics
Classification: Uncertain significance for Inborn genetic diseases. Last evaluated: 2023-08-06. Review status: criteria provided, single submitter. Criteria: Ambry Variant Classification Scheme 2023. Collection method: clinical testing. Allele origin: germline.
Comment: The p.H1229Y variant (also known as c.3685C>T), located in coding exon 27 of the LRRK2 gene, results from a C to T substitution at nucleotide position 3685. The histidine at codon 1229 is replaced by tyrosine, an amino acid with similar properties. This amino acid position is conserved. In addition, this alteration is predicted to be tolerated by in silico analysis. Since supporting evidence is limited at this time, the clinical significance of this alteration remains unclear.